The following is an entry in ClinVar:

ClinVar aggregate classification (germline): Uncertain significance (1 of 4 stars; one submission).

Conditions:
Coffin-Siris syndrome 8. Identifiers: MedGen C5193054, MONDO:0032702, OMIM 618362.

gnomAD v4.1: 1 of 1,609,416 alleles (0.000062%); no homozygotes.

Submission:

Clinical Genomics Laboratory, Stanford Medicine
Classification: Uncertain significance for Coffin-Siris syndrome 8. Last evaluated: 2022-02-10. Review status: criteria provided, single submitter. Criteria: ACMG Guidelines, 2015. Collection method: clinical testing. Allele origin: paternal. Affected: yes. Observed: 2 variant alleles, 2 heterozygotes.
Comment: The p.Lys236Asn variant in the SMARCC2 gene has not been previously reported in association with disease. This variant was absent from large population databases, including the Genome Aggregation Database. The lysine at position 236 is evolutionarily conserved. The p.Lys236Asn variant occurs at the 5’ splice junction of exon 8 and computational tools predict an impact to splicing. However, the accuracy of these computational tools is limited. The SMARCC2 gene has fewer missense variants in the general population than expected. A low rate of missense variation may suggest that this gene is intolerant to missense variation. These data were assessed using the ACMG/AMP variant interpretation guidelines. In summary, the significance of the p.Lys236Asn variant is uncertain. Additional information is needed to resolve the significance of this variant. [ACMG evidence codes used: PM2; PP3]

NM_001330288.2(SMARCC2):c.708G>T (p.Lys236Asn)

Gene: SMARCC2 (SWI/SNF related BAF chromatin remodeling complex subunit C2; minus strand). Cytogenetic location: 12q13.2.
Variant type: single nucleotide variant.
Coding change: c.708G>T on transcript NM_001330288.2 (MANE Select); coding-DNA position 708, G replaced by T.
Protein change: p.Lys236Asn; replaces lysine 236 with asparagine.
Molecular consequence: missense variant.
Genome position (GRCh38, 1-based): chr12:56,182,004, C>A on the plus strand (G>T on the coding strand, the complement: SMARCC2 is on the minus strand). VCF-style: chr12-56182004-C-A. GRCh37 (hg19) VCF-style: chr12-56575788-C-A.
Other names: c.708G>T, p.Lys236Asn (NM_001130420.3, NM_003075.5, NM_139067.4); short protein forms K236N.
Identifiers: ClinVar variation 3572859 (VCV003572859.1).